The following is an entry in ClinVar:

NM_014208.3(DSPP):c.896_897inv (p.Ser299Leu)

Genes: DMP1-AS1 (DMP1 and DSPP antisense RNA 1; minus strand), DSPP (dentin sialophosphoprotein; plus strand). Cytogenetic location: 4q22.1.
Variant type: Inversion.
Coding change: c.896_897inv on transcript NM_014208.3 (MANE Select).
Protein change: p.Ser299Leu; replaces serine 299 with leucine.
Molecular consequence: missense variant.
Genome position: GRCh38 VCF-style: chr4-87613082-CA-TG. GRCh37 (hg19) VCF-style: chr4-88534234-CA-TG.
Other names: short protein forms S299L.
Identifiers: ClinVar variation 2811301 (VCV002811301.3), ClinGen allele CA2739270158.

ClinVar aggregate classification (germline): Uncertain significance (1 of 4 stars; one submission).

Submission:

Labcorp Genetics (formerly Invitae), Labcorp
Classification: Uncertain significance. Last evaluated: 2022-11-01. Review status: criteria provided, single submitter. Criteria: Invitae Variant Classification Sherloc (09022015). Collection method: clinical testing. Allele origin: germline.
Comment: Algorithms developed to predict the effect of missense changes on protein structure and function are either unavailable or do not agree on the potential impact of this missense change (SIFT: "Not Available"; PolyPhen-2: "Probably Damaging"; Align-GVGD: "Not Available"). In summary, the available evidence is currently insufficient to determine the role of this variant in disease. Therefore, it has been classified as a Variant of Uncertain Significance. This variant has not been reported in the literature in individuals affected with DSPP-related conditions. Information on the frequency of this variant in the gnomAD database is not available, as this variant may be reported differently in the database. This sequence change replaces serine, which is neutral and polar, with leucine, which is neutral and non-polar, at codon 299 of the DSPP protein (p.Ser299Leu).